The following is an entry in ClinVar:

ClinVar aggregate classification (germline): Uncertain significance. Review status: criteria provided, multiple submitters, no conflicts (2 of 4 stars). 2 submissions from 2 submitters: Uncertain significance (2). Last evaluated 2025-02-19.

Conditions:
Inborn genetic diseases. Identifiers: MedGen C0950123, MeSH D030342.

Allele frequency attached by ClinVar (database versions not stated): gnomAD exomes 0.00001; ExAC 0.00003; gnomAD 0.00012; TOPMed 0.00014.

Submissions (2):

Ambry Genetics
Classification: Uncertain significance for Inborn genetic diseases. Last evaluated: 2025-02-19. Review status: criteria provided, single submitter. Criteria: Ambry Variant Classification Scheme 2023. Collection method: clinical testing. Allele origin: germline.

Labcorp Genetics (formerly Invitae), Labcorp
Classification: Uncertain significance. Last evaluated: 2022-01-06. Review status: criteria provided, single submitter. Criteria: Invitae Variant Classification Sherloc (09022015). Collection method: clinical testing. Allele origin: germline.
Comment: This variant is present in population databases (rs761241891, gnomAD 0.04%). This sequence change replaces aspartic acid, which is acidic and polar, with glycine, which is neutral and non-polar, at codon 275 of the NKX6-2 protein (p.Asp275Gly). This variant has not been reported in the literature in individuals affected with NKX6-2-related conditions. In summary, the available evidence is currently insufficient to determine the role of this variant in disease. Therefore, it has been classified as a Variant of Uncertain Significance. Algorithms developed to predict the effect of missense changes on protein structure and function are either unavailable or do not agree on the potential impact of this missense change (SIFT: "Deleterious"; PolyPhen-2: "Benign"; Align-GVGD: "Class C0").

NM_177400.3(NKX6-2):c.824A>G (p.Asp275Gly)

Gene: NKX6-2 (NK6 homeobox 2; minus strand). Cytogenetic location: 10q26.3.
Variant type: single nucleotide variant.
Coding change: c.824A>G on transcript NM_177400.3 (MANE Select); coding-DNA position 824, A replaced by G.
Protein change: p.Asp275Gly; replaces aspartic acid 275 with glycine.
Molecular consequence: missense variant.
Genome position (GRCh38, 1-based): chr10:132,784,926, T>C on the plus strand (A>G on the coding strand, the complement: NKX6-2 is on the minus strand). VCF-style: chr10-132784926-T-C. GRCh37 (hg19) VCF-style: chr10-134598430-T-C.
Other names: c.824A>G (NM_177400.2); short protein forms D275G.
Identifiers: ClinVar variation 1898315 (VCV001898315.5), dbSNP rs761241891, ClinGen allele CA5755970.